The following is an entry in ClinVar:

NM_005896.4(IDH1):c.940C>G (p.Arg314Gly)

Gene: IDH1 (isocitrate dehydrogenase (NADP(+)) 1; minus strand). Cytogenetic location: 2q34.
Variant type: single nucleotide variant.
Coding change: c.940C>G on transcript NM_005896.4 (MANE Select); coding-DNA position 940, C replaced by G.
Protein change: p.Arg314Gly; replaces arginine 314 with glycine.
Molecular consequence: missense variant.
Genome position (GRCh38, 1-based): chr2:208,239,914, G>C on the plus strand (C>G on the coding strand, the complement: IDH1 is on the minus strand). VCF-style: chr2-208239914-G-C. GRCh37 (hg19) VCF-style: chr2-209104638-G-C.
Other names: c.940C>G, p.Arg314Gly (NM_001282386.1, NM_001282387.1); short protein forms R314G.
Identifiers: ClinVar variation 1766874 (VCV001766874.2), dbSNP rs1040177874, ClinGen allele CA350095165.
Genomic context (GRCh38, chr2:208,239,914, plus strand): 5'-CCATCTTACCAATGGGATTGGTGGACGTCTCCTGTCCTTTCTGGTACATGCGGTAGTGAC[G>C]GGTTACAGTCCCGTGGGCAGCCTCTGCTTCTACTGTCTTGCCATCTGGACAAACCAGCAC-3'
Protein context (NP_005887.2, residues 304-324): EAEAAHGTVT[Arg314Gly]HYRMYQKGQE

ClinVar aggregate classification (germline): Uncertain significance (1 of 4 stars; one submission).

Submission:

Ambry Genetics
Classification: Uncertain significance. Last evaluated: 2022-07-29. Review status: criteria provided, single submitter. Criteria: Ambry Variant Classification Scheme 2023. Collection method: clinical testing. Allele origin: germline.
Comment: The p.R314G variant (also known as c.940C>G), located in coding exon 6 of the IDH1 gene, results from a C to G substitution at nucleotide position 940. The arginine at codon 314 is replaced by glycine, an amino acid with dissimilar properties. This amino acid position is conserved. In addition, this alteration is predicted to be deleterious by in silico analysis. Since supporting evidence is limited at this time, the clinical significance of this alteration remains unclear.